The following is an entry in ClinVar:

ClinVar aggregate classification (germline): Likely benign. Review status: criteria provided, multiple submitters, no conflicts (2 of 4 stars). 2 submissions from 2 submitters: Likely benign (2). Last evaluated 2026-06-22.

Conditions:
Retinoblastoma (RB1). Also called: RETINOBLASTOMA, SOMATIC. Identifiers: Orphanet 790, MedGen C0035335, MeSH D012175, MONDO:0008380, OMIM 180200, HP:0009919. Disease mechanism: loss of function. Inheritance: Both sporadic and heritable forms are tested..

Submissions (2):

Myriad Genetics, Inc.
Classification: Likely benign for Retinoblastoma. Last evaluated: 2026-06-22. Review status: criteria provided, single submitter. Criteria: Myriad Autosomal Dominant, Autosomal Recessive and X-Linked Classification Criteria (2023). Collection method: clinical testing. Allele origin: unknown.
Comment: This variant is considered likely benign. This variant is intronic and is not expected to impact mRNA splicing.

Labcorp Genetics (formerly Invitae), Labcorp
Classification: Likely benign for Retinoblastoma. Last evaluated: 2025-12-08. Review status: criteria provided, single submitter. Criteria: Invitae Variant Classification Sherloc (09022015). Collection method: clinical testing. Allele origin: germline.

NM_000321.3(RB1):c.2663+8C>A

Gene: RB1 (RB transcriptional corepressor 1; plus strand). Cytogenetic location: 13q14.2.
Variant type: single nucleotide variant.
Coding change: c.2663+8C>A on transcript NM_000321.3 (MANE Select); 8 bases into the intron after coding-DNA position 2663, C replaced by A.
Molecular consequence: intron variant.
Genome position (GRCh38, 1-based): chr13:48,476,851, C>A. VCF-style: chr13-48476851-C-A. GRCh37 (hg19) VCF-style: chr13-49050987-C-A.
Identifiers: ClinVar variation 527937 (VCV000527937.9), dbSNP rs747518543, ClinGen allele CA658798154.